The following is an entry in ClinVar:

ClinVar aggregate classification (germline): Uncertain significance (1 of 4 stars; one submission).

Conditions:
Mitochondrial DNA depletion syndrome, encephalomyopathic form with methylmalonic aciduria (MTDPS5). Also called: Mitochondrial encephalomyopathy aminoacidopathy; MITOCHONDRIAL DNA DEPLETION SYNDROME, ENCEPHALOMYOPATHIC FORM, WITH OR WITHOUT METHYLMALONIC ACIDURIA, AUTOSOMAL RECESSIVE, SUCLA2-RELATED; Mitochondrial DNA depletion syndrome 5 (encephalomyopathic with or without methylmalonic aciduria); SUCLA2-Related Mitochondrial DNA Depletion Syndrome, Encephalomyopathic Form with Methylmalonic Aciduria. Identifiers: Orphanet 1933, MedGen C5980207, MONDO:0012791, OMIM 612073.

Submission:

Labcorp Genetics (formerly Invitae), Labcorp
Classification: Uncertain significance for Mitochondrial DNA depletion syndrome, encephalomyopathic form with methylmalonic aciduria. Last evaluated: 2025-07-07. Review status: criteria provided, single submitter. Criteria: Invitae Variant Classification Sherloc (09022015). Collection method: clinical testing. Allele origin: germline.
Comment: This sequence change replaces isoleucine, which is neutral and non-polar, with threonine, which is neutral and polar, at codon 318 of the SUCLA2 protein (p.Ile318Thr). This variant is not present in population databases (gnomAD no frequency). This variant has not been reported in the literature in individuals affected with SUCLA2-related conditions. ClinVar contains an entry for this variant (Variation ID: 1991314). Invitae Evidence Modeling of protein sequence and biophysical properties (such as structural, functional, and spatial information, amino acid conservation, physicochemical variation, residue mobility, and thermodynamic stability) indicates that this missense variant is expected to disrupt SUCLA2 protein function with a positive predictive value of 80%. In summary, the available evidence is currently insufficient to determine the role of this variant in disease. Therefore, it has been classified as a Variant of Uncertain Significance.

NM_003850.3(SUCLA2):c.953T>C (p.Ile318Thr)

Gene: SUCLA2 (succinate-CoA ligase ADP-forming subunit beta; minus strand). Cytogenetic location: 13q14.2.
Variant type: single nucleotide variant.
Coding change: c.953T>C on transcript NM_003850.3 (MANE Select); coding-DNA position 953, T replaced by C.
Protein change: p.Ile318Thr; replaces isoleucine 318 with threonine.
Molecular consequence: missense variant.
Genome position (GRCh38, 1-based): chr13:47,954,407, A>G on the plus strand (T>C on the coding strand, the complement: SUCLA2 is on the minus strand). VCF-style: chr13-47954407-A-G. GRCh37 (hg19) VCF-style: chr13-48528542-A-G.
Other names: short protein forms I318T.
Identifiers: ClinVar variation 1991314 (VCV001991314.4), dbSNP rs1949802385, ClinGen allele CA388145493.